The following is an entry in ClinVar:

NM_001379081.2(FREM1):c.2332C>T (p.Pro778Ser)

Gene: FREM1 (FRAS1 related extracellular matrix 1; minus strand). Cytogenetic location: 9p22.3.
Variant type: single nucleotide variant.
Coding change: c.2332C>T on transcript NM_001379081.2 (MANE Select); coding-DNA position 2332, C replaced by T.
Protein change: p.Pro778Ser; replaces proline 778 with serine.
Molecular consequence: missense variant. On other transcripts: non-coding transcript variant (2).
Genome position (GRCh38, 1-based): chr9:14,823,165, G>A on the plus strand (C>T on the coding strand, the complement: FREM1 is on the minus strand). VCF-style: chr9-14823165-G-A. GRCh37 (hg19) VCF-style: chr9-14823163-G-A.
Other names: c.2332C>T, p.Pro778Ser (NM_144966.7); short protein forms P778S.
Identifiers: ClinVar variation 4989229 (VCV004989229.1).

ClinVar aggregate classification (germline): Uncertain significance (1 of 4 stars; one submission).

Conditions:
FREM1-related disorder. Also called: FREM1-Related Disorders; FREM1-related condition.

gnomAD v4.1: 11 of 1,612,684 alleles (0.00068%); highest among the groups gnomAD compares: African/African-American, 0.012%; no homozygotes.

Submission:

PreventionGenetics, part of Exact Sciences
Classification: Uncertain significance for FREM1-related condition. Last evaluated: 2025-12-30. Review status: criteria provided, single submitter. Criteria: ACMG Guidelines, 2015. Collection method: clinical testing. Allele origin: germline.
Comment: The FREM1 c.2332C>T variant is predicted to result in the amino acid substitution p.Pro778Ser. To our knowledge, this variant has not been reported in the literature. This variant is reported in 0.0065% of alleles in individuals of African descent in gnomAD. At this time, the clinical significance of this variant is uncertain due to the absence of conclusive functional and genetic evidence.